The following is an entry in ClinVar:

NM_005235.3(ERBB4):c.842C>G (p.Ala281Gly)

Gene: ERBB4 (erb-b2 receptor tyrosine kinase 4; minus strand). Cytogenetic location: 2q34.
Variant type: single nucleotide variant.
Coding change: c.842C>G on transcript NM_005235.3 (MANE Select); coding-DNA position 842, C replaced by G.
Protein change: p.Ala281Gly; replaces alanine 281 with glycine.
Molecular consequence: missense variant.
Genome position (GRCh38, 1-based): chr2:211,722,434, G>C on the plus strand (C>G on the coding strand, the complement: ERBB4 is on the minus strand). VCF-style: chr2-211722434-G-C. GRCh37 (hg19) VCF-style: chr2-212587159-G-C.
Other names: c.842C>G, p.Ala281Gly (NM_001042599.2); short protein forms A281G.
Identifiers: ClinVar variation 2033276 (VCV002033276.4), dbSNP rs1456943317, ClinGen allele CA350444220.

ClinVar aggregate classification (germline): Uncertain significance (1 of 4 stars; one submission).

Allele frequency attached by ClinVar (database versions not stated): gnomAD exomes below 0.00001.
gnomAD v4.1: 1 of 1,613,728 alleles (0.000062%); highest among the groups gnomAD compares: Non-Finnish European, 0.000085%; no homozygotes.

Submission:

Labcorp Genetics (formerly Invitae), Labcorp
Classification: Uncertain significance. Last evaluated: 2022-09-29. Review status: criteria provided, single submitter. Criteria: Invitae Variant Classification Sherloc (09022015). Collection method: clinical testing. Allele origin: germline.
Comment: This variant has not been reported in the literature in individuals affected with ERBB4-related conditions. This variant is not present in population databases (gnomAD no frequency). This sequence change replaces alanine, which is neutral and non-polar, with glycine, which is neutral and non-polar, at codon 281 of the ERBB4 protein (p.Ala281Gly). Advanced modeling of protein sequence and biophysical properties (such as structural, functional, and spatial information, amino acid conservation, physicochemical variation, residue mobility, and thermodynamic stability) performed at Invitae indicates that this missense variant is not expected to disrupt ERBB4 protein function. In summary, the available evidence is currently insufficient to determine the role of this variant in disease. Therefore, it has been classified as a Variant of Uncertain Significance.